The following is an entry in ClinVar:

NM_001384474.1(LOXHD1):c.3916_3922del (p.Val1306fs)

Gene: LOXHD1 (lipoxygenase homology PLAT domains 1; minus strand). Cytogenetic location: 18q21.1.
Variant type: Deletion.
Coding change: c.3916_3922del on transcript NM_001384474.1 (MANE Select); coding-DNA positions 3916 to 3922, 7 bases deleted (GTTCCTT; older notation c.3916_3922delGTTCCTT).
Protein change: p.Val1306fs; shifts the reading frame from valine 1306.
Molecular consequence: frameshift variant.
Genome position (GRCh38, 1-based): chr18:46,538,329-46,538,335, AAGGAAC deleted on the plus strand (GTTCCTT on the coding strand, the reverse complement: LOXHD1 is on the minus strand); deleting any 7 consecutive bases within chr18:46,538,329-46,538,337 gives the same sequence; the c. name uses the placement nearest the transcript's 3' end. VCF-style (leftmost placement, unchanged base first): chr18-46538328-TAAGGAAC-T. GRCh37 (hg19) VCF-style: chr18-44118291-TAAGGAAC-T.
Other names: c.583_589del, p.Val195fs (NM_001145472.3); c.295_301del, p.Val99fs (NM_001308013.2); c.3916_3922del, p.Val1306fs (NM_144612.7); c.3916_3922delGTTCCTT (NM_144612.6); short protein forms V1306fs, V195fs, V99fs.
Identifiers: ClinVar variation 1069298 (VCV001069298.8), dbSNP rs1419749403, ClinGen allele CA629924424.

ClinVar aggregate classification (germline): Pathogenic/Likely pathogenic. Review status: criteria provided, multiple submitters, no conflicts (2 of 4 stars). 2 submissions from 2 submitters: Pathogenic (1); Likely pathogenic (1). Last evaluated 2025-01-09.

Conditions:
Autosomal recessive nonsyndromic hearing loss 77. Identifiers: Orphanet 90636, MedGen C2746083, MONDO:0013119, OMIM 613079.

Submissions (2):

Natera, Inc.
Classification: Likely pathogenic for Autosomal recessive deafness type 77. Last evaluated: 2025-01-09. Review status: criteria provided, single submitter. Criteria: Natera Variant Classification Schema (03/2026). Collection method: clinical testing. Allele origin: germline.
Comment: The c.3916_3922delGTTCCTT variant in LOXHD1 is a frameshift variant predicted to shift the reading frame beginning at codon 1306 and leads to a stop codon 57 codons downstream. This variant is expected to result in nonsense mediated decay, truncation, or a dysfunctional protein product. This variant is rare in the general population with a frequency below the threshold expected for the associated phenotype(s). Given the available evidence, this variant is classified as Likely Pathogenic.

Labcorp Genetics (formerly Invitae), Labcorp
Classification: Pathogenic. Last evaluated: 2022-07-01. Review status: criteria provided, single submitter. Criteria: Invitae Variant Classification Sherloc (09022015). Collection method: clinical testing. Allele origin: germline.
Comment: For these reasons, this variant has been classified as Pathogenic. ClinVar contains an entry for this variant (Variation ID: 1069298). This sequence change creates a premature translational stop signal (p.Val1306Thrfs*57) in the LOXHD1 gene. It is expected to result in an absent or disrupted protein product. Loss-of-function variants in LOXHD1 are known to be pathogenic (PMID: 19732867, 21465660, 25792669). This variant is present in population databases (no rsID available, gnomAD 0.004%). This variant has not been reported in the literature in individuals affected with LOXHD1-related conditions.

Literature cited by the submitters: PubMed 19732867 (cited by Labcorp Genetics (formerly Invitae), Labcorp); PubMed 21465660 (cited by Labcorp Genetics (formerly Invitae), Labcorp); PubMed 25792669 (cited by Labcorp Genetics (formerly Invitae), Labcorp).